The following is an entry in ClinVar:

NM_000070.3(CAPN3):c.2306G>C (p.Arg769Pro)

Gene: CAPN3 (calpain 3; plus strand). Cytogenetic location: 15q15.1.
Variant type: single nucleotide variant.
Coding change: c.2306G>C on transcript NM_000070.3 (MANE Select); coding-DNA position 2306, G replaced by C.
Protein change: p.Arg769Pro; replaces arginine 769 with proline.
Molecular consequence: missense variant.
Genome position (GRCh38, 1-based): chr15:42,410,926, G>C. VCF-style: chr15-42410926-G-C. GRCh37 (hg19) VCF-style: chr15-42703124-G-C.
Other names: NM_000070.3(CAPN3):c.2306G>C; p.Arg769Pro; c.2288G>C, p.Arg763Pro (NM_024344.2); c.2030G>C, p.Arg677Pro (NM_173087.2); c.770G>C, p.Arg257Pro (NM_173088.2); c.311G>C, p.Arg104Pro (NM_173089.2, NM_173090.2); short protein forms R677P, R257P, R763P, R769P, R104P.
Identifiers: ClinVar variation 652571 (VCV000652571.15), dbSNP rs80338802, ClinGen allele CA392002041.
Genomic context (GRCh38, chr15:42,410,926, plus strand): 5'-ACATGGTCCCCTCCACAGGATTCCACCTCAACAACCAGCTCTATGACATCATTACCATGC[G>C]GTACGCAGACAAACACATGAACATCGACTTTGACAGTTTCATCTGCTGCTTCGTTAGGCT-3'
Protein context (NP_000061.1, residues 759-779): NNQLYDIITM[Arg769Pro]YADKHMNIDF

ClinVar aggregate classification (germline): Likely pathogenic. Review status: reviewed by expert panel (3 of 4 stars). 5 submissions from 5 submitters: Likely pathogenic (1). 4 of the submissions do not count toward it. Last evaluated 2026-03-12.

Conditions:
Autosomal recessive limb-girdle muscular dystrophy type 2A (LGMDR1). Also called: LEYDEN-MOEBIUS MUSCULAR DYSTROPHY; MUSCULAR DYSTROPHY, PELVOFEMORAL; Limb-girdle muscular dystrophy, type 2A; Calpainopathy; Muscular dystrophy, limb-girdle, type 2A, Amish. Identifiers: Orphanet 267, MedGen C1869123, MONDO:0009675, OMIM 253600. Disease mechanism: loss of function.
Muscular dystrophy, limb-girdle, autosomal dominant 4. Also called: Calpain-3-related limb-girdle muscular dystrophy D4; MUSCULAR DYSTROPHY, LIMB-GIRDLE, TYPE 1I. Identifiers: Orphanet 565909, MedGen C4748295, MONDO:0029133, OMIM 618129.
Autosomal recessive limb-girdle muscular dystrophy. Identifiers: Orphanet 102015, MedGen C2931907, MONDO:0015152.

gnomAD v4.1: 1 of 1,614,176 alleles (0.000062%); highest among the groups gnomAD compares: Admixed American, 0.0017%; no homozygotes.

Submissions (5):

ClinGen Limb Girdle Muscular Dystrophy Variant Curation Expert Panel, ClinGen
Classification: Likely pathogenic for Autosomal recessive limb-girdle muscular dystrophy. Last evaluated: 2026-03-12. Review status: reviewed by expert panel. Criteria: ClinGen LGMD VCEP ACMG Specifications CAPN3 V2.0.0. Collection method: curation. Allele origin: germline. Inheritance: Autosomal recessive inheritance.
Comment: The NM_000070.3: c.2306G>C variant in CAPN3 is a missense variant predicted to cause the substitution of arginine by proline at amino acid position 769, p.(Arg769Pro). It has been detected in at least 7 unrelated patients with features consistent with LGMD (PMID: 25987458, 32994280, 37974208, 16607617; ClinVar SCV000948242.5 internal data communication), including in a homozygous state without reported consanguinity in one case (0.5 pts, PMID: 37974208) and confirmed in trans with a pathogenic variant in one case (c.2120A>G (p.Asp707Gly), 1.0 pt, PMID: 37974208) (PM3). At least one individual with this variant displayed progressive limb girdle muscle weakness or had a clinical suspicion of LGMD (PMID: 37974208; PP4). The highest population frequency of this variant is 0.00001666 in the Admixed American population of gnomAD v4.1.0 (1/60020 chromosomes), which is less than the ClinGen LGMD VCEP threshold (≤0.0001) (PM2_Supporting). The computational predictor REVEL gives a score of 0.956, which is above the threshold of 0.70 (PP3). In addition, another missense change at the same position, c.2306G>A p.(Arg769Gln), has been classified as pathogenic for autosomal recessive LGMD by the LGMD VCEP (PM5). In summary, this variant meets the criteria to be classified as Likely Pathogenic for autosomal recessive limb girdle muscular dystrophy based on the ACMG/AMP criteria applied, as specified by the ClinGen LGMD VCEP (LGMD VCEP specifications version 2.0.0; 03/12/2026): PM3, PP4, PM2_Supporting, PP3, PM5.

Women's Health and Genetics/Laboratory Corporation of America, LabCorp
Classification: Pathogenic for Autosomal recessive limb-girdle muscular dystrophy. Last evaluated: 2026-03-25. Review status: criteria provided, single submitter. Criteria: LabCorp Variant Classification Summary - May 2015. Collection method: clinical testing. Allele origin: germline. Not counted in ClinVar's aggregate classification.
Comment: Variant summary: CAPN3 c.2306G>C (p.Arg769Pro) results in a non-conservative amino acid change in the encoded protein sequence. Algorithms developed to predict the effect of missense changes on protein structure and function all suggest that this variant is likely to be disruptive. The variant allele was found at a frequency of 4e-06 in 251404 control chromosomes (gnomAD). c.2306G>C has been observed in multiple individuals affected with Limb-Girdle Muscular Dystrophy, Autosomal Recessive or eosinophilic myositis (e.g. Krahn_2006, Dai_2015, Lin_2023). These data indicate that the variant is very likely to be associated with disease. Other variants affecting the same codon have been classified as pathogenic by our lab (c.2305C>T, p.Arg769Trp; c.2306G>A, p.Arg769Gln), supporting the critical relevance of codon 769 to CAPN3 protein function. The following publications have been ascertained in the context of this evaluation (PMID: 16607617, 25987458, 37974208). ClinVar contains an entry for this variant (Variation ID: 652571). Based on the evidence outlined above, the variant was classified as pathogenic.

Baylor Genetics
Classification: Likely pathogenic for Muscular dystrophy, limb-girdle, autosomal dominant 4. Last evaluated: 2024-01-04. Review status: criteria provided, single submitter. Criteria: ACMG Guidelines, 2015. Collection method: clinical testing. Allele origin: unknown. Not counted in ClinVar's aggregate classification.

Labcorp Genetics (formerly Invitae), Labcorp
Classification: Uncertain significance for Autosomal recessive limb-girdle muscular dystrophy type 2A. Last evaluated: 2022-02-24. Review status: criteria provided, single submitter. Criteria: Invitae Variant Classification Sherloc (09022015). Collection method: clinical testing. Allele origin: germline. Not counted in ClinVar's aggregate classification.
Comment: This variant disrupts the p.Arg769 amino acid residue in CAPN3. Other variant(s) that disrupt this residue have been determined to be pathogenic (PMID: 7720071, 20517216). This suggests that this residue is clinically significant, and that variants that disrupt this residue are likely to be disease-causing. In summary, the available evidence is currently insufficient to determine the role of this variant in disease. Therefore, it has been classified as a Variant of Uncertain Significance. Algorithms developed to predict the effect of sequence changes on RNA splicing suggest that this variant may disrupt the consensus splice site. This sequence change replaces arginine, which is basic and polar, with proline, which is neutral and non-polar, at codon 769 of the CAPN3 protein (p.Arg769Pro). This variant is present in population databases (no rsID available, gnomAD 0.003%). This missense change has been observed in individual(s) with eosinophilic myositis or myopathy (PMID: 16607617, 25987458). ClinVar contains an entry for this variant (Variation ID: 652571). Algorithms developed to predict the effect of missense changes on protein structure and function are either unavailable or do not agree on the potential impact of this missense change (SIFT: "Deleterious"; PolyPhen-2: "Probably Damaging"; Align-GVGD: "Class C15").

Juno Genomics, Hangzhou Juno Genomics, Inc
Classification: Pathogenic for Muscular dystrophy, limb-girdle, autosomal dominant 4; Autosomal recessive limb-girdle muscular dystrophy type 2A. Review status: criteria provided, single submitter. Criteria: ACMG Guidelines, 2015. Collection method: clinical testing. Allele origin: germline. Not counted in ClinVar's aggregate classification.
Comment: Absent from controls (or at extremely low frequency if recessive) in Genome Aggregation Database.;Multiple lines of computational evidence support a deleterious effect on the gene or gene product.;For recessive disorders, detected in trans with a pathogenic variant.;Patient's phenotype or family history is highly specific for a disease with a single genetic etiology.;Novel missense change at an amino acid residue where a different missense change determined to be pathogenic has been seen before.

Literature cited by the submitters: PubMed 25987458 (cited by Women's Health and Genetics/Laboratory Corporation of America, LabCorp and Labcorp Genetics (formerly Invitae), Labcorp); PubMed 37974208 (cited by Women's Health and Genetics/Laboratory Corporation of America, LabCorp); PubMed 16607617 (cited by Women's Health and Genetics/Laboratory Corporation of America, LabCorp and Labcorp Genetics (formerly Invitae), Labcorp); PubMed 7720071 (cited by Labcorp Genetics (formerly Invitae), Labcorp); PubMed 20517216 (cited by Labcorp Genetics (formerly Invitae), Labcorp).